The following is an entry in ClinVar:

NM_001943.5(DSG2):c.677C>A (p.Thr226Asn)

Gene: DSG2 (desmoglein 2; plus strand). Cytogenetic location: 18q12.1.
Variant type: single nucleotide variant.
Coding change: c.677C>A on transcript NM_001943.5 (MANE Select); coding-DNA position 677, C replaced by A.
Protein change: p.Thr226Asn; replaces threonine 226 with asparagine.
Molecular consequence: missense variant.
Genome position (GRCh38, 1-based): chr18:31,522,236, C>A. VCF-style: chr18-31522236-C-A. GRCh37 (hg19) VCF-style: chr18-29102199-C-A.
Other names: c.677C>A (NM_001943.3); short protein forms T226N.
Identifiers: ClinVar variation 924142 (VCV000924142.6), dbSNP rs751490881, ClinGen allele CA402134090.

ClinVar aggregate classification (germline): Conflicting classifications of pathogenicity. Review status: criteria provided, conflicting classifications (1 of 4 stars). 3 submissions from 3 submitters: Uncertain significance (2); Likely benign (1). Last evaluated 2024-03-21.

Conditions:
Arrhythmogenic right ventricular cardiomyopathy (ARVD). Also called: Arrhythmogenic cardiomyopathy; Cardiomyopathy, ARVC; Arrhythmogenic right ventricular dysplasia; Arrhythmogenic Right Ventricular Cardiomyopathy (ARVC). Identifiers: Orphanet 247, MedGen C0349788, MeSH D019571, MONDO:0016587. Disease mechanism: loss of function. Inheritance: Various modes of inheritance.
Cardiomyopathy (CMYO). Also called: Cardiomyopathies. Identifiers: Orphanet 167848, MedGen C0878544, MONDO:0004994, HP:0001638. Inheritance: Various modes of inheritance.
Cardiovascular phenotype. Identifiers: MedGen CN230736.

Allele frequency attached by ClinVar (database versions not stated): gnomAD 0.00001.
gnomAD v4.1: 1 of 1,613,362 alleles (0.000062%); highest among the groups gnomAD compares: Non-Finnish European, 0.000085%; no homozygotes.

Submissions (3):

Ambry Genetics
Classification: Likely benign for Cardiovascular phenotype. Last evaluated: 2024-03-21. Review status: criteria provided, single submitter. Criteria: Ambry Variant Classification Scheme 2023. Collection method: clinical testing. Allele origin: germline.

Color Diagnostics, LLC DBA Color Health
Classification: Uncertain significance for Cardiomyopathy. Last evaluated: 2023-12-04. Review status: criteria provided, single submitter. Criteria: ACMG Guidelines, 2015. Collection method: clinical testing. Allele origin: germline.
Comment: This missense variant replaces threonine with asparagine at codon 226 of the DSG2 protein. Computational prediction suggests that this variant may not impact protein structure and function (internally defined REVEL score threshold <= 0.5, PMID: 27666373). To our knowledge, functional studies have not been reported for this variant. This variant has not been reported in individuals affected with DSG2-related disorders in the literature. This variant has not been identified in the general population by the Genome Aggregation Database (gnomAD). The available evidence is insufficient to determine the role of this variant in disease conclusively. Therefore, this variant is classified as a Variant of Uncertain Significance.

All of Us Research Program, National Institutes of Health
Classification: Uncertain significance for Arrhythmogenic right ventricular cardiomyopathy. Last evaluated: 2023-11-20. Review status: criteria provided, single submitter. Criteria: ACMG Guidelines, 2015. Collection method: clinical testing. Allele origin: germline. Inheritance: Autosomal dominant inheritance. Observed: 2 variant alleles, 2 heterozygotes.
Comment: This missense variant replaces threonine with asparagine at codon 226 of the DSG2 protein. Computational prediction suggests that this variant may not impact protein structure and function (internally defined REVEL score threshold <= 0.5, PMID: 27666373). To our knowledge, functional studies have not been reported for this variant. This variant has not been reported in individuals affected with cardiovascular disorders in the literature. This variant has not been identified in the general population by the Genome Aggregation Database (gnomAD). The available evidence is insufficient to determine the role of this variant in disease conclusively. Therefore, this variant is classified as a Variant of Uncertain Significance.

This study involves interpretation of variants in research participants for the purpose of population health screening. Participant phenotype was not available at the time of variant classification. Additional details can be found in publication PMID: 35346344, PMCID: PMC8962531